The following is an entry in ClinVar:

NM_001126108.2(SLC12A3):c.1567G>A (p.Ala523Thr)

Gene: SLC12A3 (solute carrier family 12 member 3; plus strand). Cytogenetic location: 16q13.
Variant type: single nucleotide variant.
Coding change: c.1567G>A on transcript NM_001126108.2 (MANE Select); coding-DNA position 1567, G replaced by A.
Protein change: p.Ala523Thr; replaces alanine 523 with threonine.
Molecular consequence: missense variant.
Genome position (GRCh38, 1-based): chr16:56,880,253, G>A. VCF-style: chr16-56880253-G-A. GRCh37 (hg19) VCF-style: chr16-56914165-G-A.
Other names: c.1567G>A, p.Ala523Thr (NM_000339.3); c.1564G>A, p.Ala522Thr (NM_001126107.2); c.1567G>A (NM_000339.2); short protein forms A522T, A523T.
Identifiers: ClinVar variation 1067262 (VCV001067262.17), dbSNP rs781137708, ClinGen allele CA8069519.
Genomic context (GRCh38, chr16:56,880,253, plus strand): 5'-AAGGAGCCCGTGCGTGGCTACCTGCTGGCCTACGCCATCGCTGTGGCCTTCATCATCATC[G>A]GTAAGGCTCTGCCAGGGCTCACAGGGCCTGGCCTCCTGTTCCCCTGGCCGGCCATGAGGG-3'
Protein context (NP_001119580.2, residues 513-533): YAIAVAFIII[Ala523Thr]ELNTIAPIIS

ClinVar aggregate classification (germline): Pathogenic/Likely pathogenic. Review status: criteria provided, multiple submitters, no conflicts (2 of 4 stars). 9 submissions from 9 submitters: Pathogenic (6); Likely pathogenic (3). Last evaluated 2025-03-21.

Conditions:
SLC12A3-related disorder. Also called: SLC12A3-related condition.
Familial hypokalemia-hypomagnesemia (GTLMNS). Also called: POTASSIUM AND MAGNESIUM DEPLETION; gitelman syndrome; HYPOMAGNESEMIA-HYPOKALEMIA, PRIMARY RENOTUBULAR, WITH HYPOCALCIURIA. Identifiers: Orphanet 358, MedGen C0268450, MONDO:0009904, OMIM 263800.

Allele frequency attached by ClinVar (database versions not stated): gnomAD 0.00001; gnomAD exomes 0.00001; TOPMed 0.00001; ExAC 0.00003.
gnomAD v4.1: 18 of 1,577,760 alleles (0.0011%); highest among the groups gnomAD compares: Middle Eastern, 0.017%; no homozygotes.

Submissions (9):

First Genomix Gene Laboratory, Genetic Diagnostics Department
Classification: Pathogenic for Familial hypokalemia-hypomagnesemia. Last evaluated: 2025-03-21. Review status: criteria provided, single submitter. Criteria: ACMG Guidelines, 2015. Collection method: clinical testing. Allele origin: germline. Inheritance: Autosomal recessive inheritance. Affected: no. Observed: 1 variant allele.

GeneDx
Classification: Likely pathogenic. Last evaluated: 2025-03-06. Review status: criteria provided, single submitter. Criteria: GeneDx Variant Classification Process June 2021. Collection method: clinical testing. Allele origin: germline. Affected: yes.
Comment: Not observed at significant frequency in large population cohorts (gnomAD); In silico analysis supports that this missense variant has a deleterious effect on protein structure/function; This variant is associated with the following publications: (PMID: 31285285, 36597580, 17329572, 36158002, 34604727, 35591852, 37327293, 32370469, 33121425, 17511264, 31183353, Subasinghe2020[casereport])

Natera, Inc.
Classification: Pathogenic for Gitelman syndrome. Last evaluated: 2025-01-31. Review status: criteria provided, single submitter. Criteria: Natera Variant Classification Schema (03/2026). Collection method: clinical testing. Allele origin: germline.
Comment: The c.1567G>A variant in SLC12A3 is a missense variant predicted to cause substitution of alanine to threonine at amino acid 523. This variant is rare in the general population with a frequency below the threshold expected for the associated phenotype(s). This variant has been observed in one or more individuals affected with the associated recessive disease, as either homozygous or compound heterozygous with a second variant (PMID: 17329572, 17329572). Given the available evidence, this variant is classified as Pathogenic.

Blueprint Genetics
Classification: Pathogenic for SLC12A3-related disorders. Last evaluated: 2024-11-08. Review status: criteria provided, single submitter. Criteria: ACMG Guidelines, 2015. Collection method: clinical testing. Allele origin: germline. Affected: yes. Observed: 3 variant alleles.

MVZ Medizinische Genetik Mainz
Classification: Likely pathogenic for Familial hypokalemia-hypomagnesemia. Last evaluated: 2024-10-10. Review status: criteria provided, single submitter. Criteria: UK Practice Guidelines For Variant Classification V4 01 2020. Collection method: clinical testing. Allele origin: germline. Inheritance: Autosomal recessive inheritance. Affected: yes. Observed: 1 variant allele.
Comment: ACMG Criteria: PM3_STR,PM2_SUP,PP3,PP4; Compound Heterozygote

Fulgent Genetics
Classification: Pathogenic for Familial hypokalemia-hypomagnesemia. Last evaluated: 2024-06-01. Review status: criteria provided, single submitter. Criteria: ACMG Guidelines, 2015. Collection method: clinical testing. Allele origin: germline.

Genomic Medicine Center of Excellence, King Faisal Specialist Hospital and Research Centre
Classification: Pathogenic for Familial hypokalemia-hypomagnesemia. Last evaluated: 2024-04-04. Review status: criteria provided, single submitter. Criteria: ACMG Guidelines, 2015. Collection method: clinical testing. Allele origin: germline.

Labcorp Genetics (formerly Invitae), Labcorp
Classification: Pathogenic. Last evaluated: 2024-03-01. Review status: criteria provided, single submitter. Criteria: Invitae Variant Classification Sherloc (09022015). Collection method: clinical testing. Allele origin: germline.
Comment: This sequence change replaces alanine, which is neutral and non-polar, with threonine, which is neutral and polar, at codon 523 of the SLC12A3 protein (p.Ala523Thr). This variant also falls at the last nucleotide of exon 12, which is part of the consensus splice site for this exon. The frequency data for this variant in the population databases is considered unreliable, as metrics indicate poor data quality at this position in the gnomAD database. This missense change has been observed in individual(s) with Gitelman syndrome (PMID: 17329572, 17511264, 31183353, 31285285, 33121425). In at least one individual the data is consistent with being in trans (on the opposite chromosome) from a pathogenic variant. ClinVar contains an entry for this variant (Variation ID: 1067262). An algorithm developed to predict the effect of missense changes on protein structure and function (PolyPhen-2) suggests that this variant is likely to be disruptive. Variants that disrupt the consensus splice site are a relatively common cause of aberrant splicing (PMID: 17576681, 9536098). For these reasons, this variant has been classified as Pathogenic.

Juno Genomics, Hangzhou Juno Genomics, Inc
Classification: Likely pathogenic for Familial hypokalemia-hypomagnesemia. Review status: criteria provided, single submitter. Criteria: ACMG Guidelines, 2015. Collection method: clinical testing. Allele origin: germline.
Comment: Absent from controls (or at extremely low frequency if recessive) in Genome Aggregation Database.;Multiple lines of computational evidence support a deleterious effect on the gene or gene product.;For recessive disorders, detected in trans with a pathogenic variant.;Patient's phenotype or family history is highly specific for a disease with a single genetic etiology.

Literature cited by the submitters: PubMed 17329572 (cited by Natera, Inc. and Labcorp Genetics (formerly Invitae), Labcorp); PubMed 17511264 (cited by Labcorp Genetics (formerly Invitae), Labcorp); PubMed 31183353 (cited by Labcorp Genetics (formerly Invitae), Labcorp); PubMed 31285285 (cited by Labcorp Genetics (formerly Invitae), Labcorp); PubMed 33121425 (cited by Labcorp Genetics (formerly Invitae), Labcorp); PubMed 17576681 (cited by Labcorp Genetics (formerly Invitae), Labcorp); PubMed 9536098 (cited by Labcorp Genetics (formerly Invitae), Labcorp).